The following is an entry in ClinVar:

NM_001243177.4(ALDOA):c.466G>T (p.Gly156Cys)

Genes: ALDOA (aldolase, fructose-bisphosphate A; plus strand), LOC112694756 (uncharaterized LOC112694756; plus strand). Cytogenetic location: 16p11.2.
Variant type: single nucleotide variant.
Coding change: c.466G>T on transcript NM_001243177.4 (MANE Select); coding-DNA position 466, G replaced by T.
Protein change: p.Gly156Cys; replaces glycine 156 with cysteine.
Molecular consequence: missense variant. On other transcripts: 3 prime UTR variant (3).
Genome position (GRCh38, 1-based): chr16:30,067,641, G>T. VCF-style: chr16-30067641-G-T. GRCh37 (hg19) VCF-style: chr16-30078962-G-T.
Other names: c.*813G>T (NM_001365304.2, NM_001365305.2, NM_001365307.2); c.304G>T, p.Gly102Cys (NM_001127617.2, NM_184041.5, NM_184043.2); short protein forms G156C, G102C.
Identifiers: ClinVar variation 2002501 (VCV002002501.4), dbSNP rs2543604143, ClinGen allele CA395487120.
Genomic context (GRCh38, chr16:30,067,641, plus strand): 5'-GAGACACTCTACCAGAAGGCGGATGATGGGCGTCCCTTCCCCCAAGTTATCAAATCCAAG[G>T]GCGGTGTTGTGGGCATCAAGGTAAGGGGAGGGCCTCCGGACGTGAGGTTTGAGATGGAAG-3'
Protein context (NP_001230106.1, residues 146-166): RPFPQVIKSK[Gly156Cys]GVVGIKVDKG

ClinVar aggregate classification (germline): Uncertain significance (1 of 4 stars; one submission).

Conditions:
HNSHA due to aldolase A deficiency (GSD12). Also called: GLYCOGEN STORAGE DISEASE XII; GSD XII; RED CELL ALDOLASE DEFICIENCY; Glycogen storage disease due to aldolase A deficiency. Identifiers: Orphanet 57, MedGen C0272066, MONDO:0012747, OMIM 611881.

Submission:

Labcorp Genetics (formerly Invitae), Labcorp
Classification: Uncertain significance for HNSHA due to aldolase A deficiency. Last evaluated: 2022-08-22. Review status: criteria provided, single submitter. Criteria: Invitae Variant Classification Sherloc (09022015). Collection method: clinical testing. Allele origin: germline.
Comment: This variant has not been reported in the literature in individuals affected with ALDOA-related conditions. In summary, the available evidence is currently insufficient to determine the role of this variant in disease. Therefore, it has been classified as a Variant of Uncertain Significance. Algorithms developed to predict the effect of missense changes on protein structure and function are either unavailable or do not agree on the potential impact of this missense change (SIFT: "Deleterious"; PolyPhen-2: "Probably Damaging"; Align-GVGD: "Class C15"). This variant is not present in population databases (gnomAD no frequency). This sequence change replaces glycine, which is neutral and non-polar, with cysteine, which is neutral and slightly polar, at codon 102 of the ALDOA protein (p.Gly102Cys).